The following is an entry in ClinVar:

ClinVar aggregate classification (germline): Uncertain significance. Review status: criteria provided, multiple submitters, no conflicts (2 of 4 stars). 6 submissions from 6 submitters: Uncertain significance (6). Last evaluated 2025-09-18.

Conditions:
Hereditary cancer-predisposing syndrome. Also called: Hereditary neoplastic syndrome; Neoplastic Syndromes, Hereditary; Tumor predisposition; Hereditary Cancer Syndrome. Identifiers: Orphanet 140162, MedGen C0027672, MeSH D009386, MONDO:0015356.
Melanoma, cutaneous malignant, susceptibility to, 1 (CMM1). Also called: MELANOMA, MALIGNANT; B-K MOLE SYNDROME; DYSPLASTIC NEVUS SYNDROME, HEREDITARY; FAMILIAL ATYPICAL MOLE-MALIGNANT MELANOMA SYNDROME. Identifiers: Orphanet 618, MedGen C1835047, MONDO:0007963, OMIM 155600.
Peutz-Jeghers syndrome (PJS). Also called: POLYPOSIS, HAMARTOMATOUS INTESTINAL; POLYPS-AND-SPOTS SYNDROME; Peutz-Jeghers polyposis; Periorificial lentiginosis syndrome. Identifiers: Orphanet 2869, MedGen C0031269, MeSH D010580, MONDO:0008280, OMIM 175200.

Allele frequency attached by ClinVar (database versions not stated): gnomAD exomes below 0.00001; ExAC 0.00001.
gnomAD v4.1: 2 of 1,610,558 alleles (0.00012%); highest among the groups gnomAD compares: South Asian, 0.0011%; no homozygotes.

Submissions (6):

Labcorp Genetics (formerly Invitae), Labcorp
Classification: Uncertain significance for Peutz-Jeghers syndrome. Last evaluated: 2025-09-18. Review status: criteria provided, single submitter. Criteria: Invitae Variant Classification Sherloc (09022015). Collection method: clinical testing. Allele origin: germline.
Comment: This sequence change replaces proline, which is neutral and non-polar, with serine, which is neutral and polar, at codon 369 of the STK11 protein (p.Pro369Ser). The frequency data for this variant in the population databases is considered unreliable, as metrics indicate poor data quality at this position in the gnomAD database. This variant has not been reported in the literature in individuals affected with STK11-related conditions. ClinVar contains an entry for this variant (Variation ID: 484999). Invitae Evidence Modeling of protein sequence and biophysical properties (such as structural, functional, and spatial information, amino acid conservation, physicochemical variation, residue mobility, and thermodynamic stability) indicates that this missense variant is not expected to disrupt STK11 protein function with a negative predictive value of 95%. In summary, the available evidence is currently insufficient to determine the role of this variant in disease. Therefore, it has been classified as a Variant of Uncertain Significance.

Ambry Genetics
Classification: Uncertain significance for Hereditary cancer-predisposing syndrome. Last evaluated: 2024-04-27. Review status: criteria provided, single submitter. Criteria: Ambry Variant Classification Scheme 2023. Collection method: clinical testing. Allele origin: germline.
Comment: The p.P369S variant (also known as c.1105C>T), located in coding exon 8 of the STK11 gene, results from a C to T substitution at nucleotide position 1105. The proline at codon 369 is replaced by serine, an amino acid with similar properties. This amino acid position is highly conserved in available vertebrate species. In addition, the in silico prediction for this alteration is inconclusive. Since supporting evidence is limited at this time, the clinical significance of this alteration remains unclear.

Baylor Genetics
Classification: Uncertain significance for Melanoma, cutaneous malignant, susceptibility to, 1. Last evaluated: 2023-07-27. Review status: criteria provided, single submitter. Criteria: ACMG Guidelines, 2015. Collection method: clinical testing. Allele origin: unknown.

Institute for Biomarker Research, Medical Diagnostic Laboratories, L.L.C.
Classification: Uncertain significance for Hereditary cancer-predisposing syndrome. Last evaluated: 2023-07-19. Review status: criteria provided, single submitter. Criteria: ACMG Guidelines, 2015. Collection method: clinical testing. Allele origin: germline.

Color Diagnostics, LLC DBA Color Health
Classification: Uncertain significance for Hereditary cancer-predisposing syndrome. Last evaluated: 2022-05-11. Review status: criteria provided, single submitter. Criteria: ACMG Guidelines, 2015. Collection method: clinical testing. Allele origin: germline.
Comment: This missense variant replaces proline with serine at codon 369 of the STK11 protein. Computational prediction suggests that this variant may not impact protein structure and function (internally defined REVEL score threshold <= 0.5, PMID: 27666373). To our knowledge, functional studies have not been reported for this variant. This variant has not been reported in individuals affected with hereditary cancer in the literature. This variant has been identified in 1/241680 chromosomes in the general population by the Genome Aggregation Database (gnomAD). The available evidence is insufficient to determine the role of this variant in disease conclusively. Therefore, this variant is classified as a Variant of Uncertain Significance.

Genome-Nilou Lab
Classification: Uncertain significance for Peutz-Jeghers syndrome. Last evaluated: 2021-07-15. Review status: criteria provided, single submitter. Criteria: ACMG Guidelines, 2015. Collection method: clinical testing. Allele origin: germline. Affected: no.

NM_000455.5(STK11):c.1105C>T (p.Pro369Ser)

Genes: STK11 (serine/threonine kinase 11; plus strand), LOC130062899 (ATAC-STARR-seq lymphoblastoid active region 13597; plus strand). Cytogenetic location: 19p13.3.
Variant type: single nucleotide variant.
Coding change: c.1105C>T on transcript NM_000455.5 (MANE Select); coding-DNA position 1105, C replaced by T.
Protein change: p.Pro369Ser; replaces proline 369 with serine.
Molecular consequence: missense variant.
Genome position (GRCh38, 1-based): chr19:1,223,169, C>T. VCF-style: chr19-1223169-C-T. GRCh37 (hg19) VCF-style: chr19-1223168-C-T.
Other names: short protein forms P369S.
Identifiers: ClinVar variation 484999 (VCV000484999.21), dbSNP rs758887235, ClinGen allele CA045209.